The following is an entry in ClinVar:

ClinVar aggregate classification (germline): Uncertain significance. Review status: criteria provided, multiple submitters, no conflicts (2 of 4 stars). 2 submissions from 2 submitters: Uncertain significance (2). Last evaluated 2024-12-09.

Conditions:
RIDDLE syndrome. Identifiers: Orphanet 420741, MedGen C2677792, MONDO:0012764, OMIM 611943.
Inborn genetic diseases. Identifiers: MedGen C0950123, MeSH D030342.

Allele frequency attached by ClinVar (database versions not stated): gnomAD 0.00001; TOPMed 0.00001; ExAC 0.00002; gnomAD exomes 0.00002; ESP Exome Variant Server 0.00008.
gnomAD v4.1: 68 of 1,614,024 alleles (0.0042%); highest among the groups gnomAD compares: Non-Finnish European, 0.0053%; no homozygotes.

Submissions (2):

Ambry Genetics
Classification: Uncertain significance for Inborn genetic diseases. Last evaluated: 2024-12-09. Review status: criteria provided, single submitter. Criteria: Ambry Variant Classification Scheme 2023. Collection method: clinical testing. Allele origin: germline.

Center for Genomics, Ann and Robert H. Lurie Children's Hospital of Chicago
Classification: Uncertain significance for RIDDLE syndrome. Last evaluated: 2021-03-30. Review status: criteria provided, single submitter. Criteria: ACMG Guidelines, 2015. Collection method: clinical testing. Allele origin: germline.
Comment: RNF168 NM_152617.3 exon 1 p.Ile79Met (c.237A>G): This variant has not been reported in the literature but is present in 0.003% (4/113760) of European alleles in the Genome Aggregation Database. This variant Methionine (Met) is present in two species (Rabbit, Pika) and is not well conserved among evolutionarily distant species; this suggests that this variant may not impact the protein. Additional computational prediction tools do not suggest an impact. In summary, data on this variant is insufficient for disease classification. Therefore, the clinical significance of this variant is uncertain.

NM_152617.4(RNF168):c.237A>G (p.Ile79Met)

Gene: RNF168 (ring finger protein 168; minus strand). Cytogenetic location: 3q29.
Variant type: single nucleotide variant.
Coding change: c.237A>G on transcript NM_152617.4 (MANE Select); coding-DNA position 237, A replaced by G.
Protein change: p.Ile79Met; replaces isoleucine 79 with methionine.
Molecular consequence: missense variant.
Genome position (GRCh38, 1-based): chr3:196,502,937, T>C on the plus strand (A>G on the coding strand, the complement: RNF168 is on the minus strand). VCF-style: chr3-196502937-T-C. GRCh37 (hg19) VCF-style: chr3-196229808-T-C.
Other names: c.237A>G (NM_152617.3); short protein forms I79M.
Identifiers: ClinVar variation 992520 (VCV000992520.5), dbSNP rs148808853, ClinGen allele CA2781018.
Genomic context (GRCh38, chr3:196,502,937, plus strand): 5'-TTCCTCTGATTCTTGGCCAGACGCTCTAAGCTTGCACTCCCTGGGATAGTGTTTTTGAAT[T>C]ATCGTCCACAGTTCCACGTTGACGAGAGAATTTCTTCGGGTATGGTACCGAGTCCACGAC-3'
Protein context (NP_689830.2, residues 69-89): NSLVNVELWT[Ile79Met]IQKHYPRECK